The following is an entry in ClinVar:

ClinVar aggregate classification (germline): Uncertain significance (1 of 4 stars; one submission).

Conditions:
Peroxisome biogenesis disorder. Identifiers: Orphanet 79189, MedGen C1832200, MONDO:0019234. Disease mechanism: loss of function.

Submission:

Labcorp Genetics (formerly Invitae), Labcorp
Classification: Uncertain significance for Peroxisome biogenesis disorder. Last evaluated: 2022-11-15. Review status: criteria provided, single submitter. Criteria: Invitae Variant Classification Sherloc (09022015). Collection method: clinical testing. Allele origin: germline.
Comment: ClinVar contains an entry for this variant (Variation ID: 1449418). This variant has not been reported in the literature in individuals affected with PEX6-related conditions. This variant is not present in population databases (gnomAD no frequency). This sequence change replaces valine, which is neutral and non-polar, with leucine, which is neutral and non-polar, at codon 242 of the PEX6 protein (p.Val242Leu). Algorithms developed to predict the effect of missense changes on protein structure and function (SIFT, PolyPhen-2, Align-GVGD) all suggest that this variant is likely to be tolerated. Algorithms developed to predict the effect of sequence changes on RNA splicing suggest that this variant may create or strengthen a splice site. In summary, the available evidence is currently insufficient to determine the role of this variant in disease. Therefore, it has been classified as a Variant of Uncertain Significance.

NM_000287.4(PEX6):c.724G>T (p.Val242Leu)

Gene: PEX6 (peroxisomal biogenesis factor 6; minus strand). Cytogenetic location: 6p21.1.
Variant type: single nucleotide variant.
Coding change: c.724G>T on transcript NM_000287.4 (MANE Select); coding-DNA position 724, G replaced by T.
Protein change: p.Val242Leu; replaces valine 242 with leucine.
Molecular consequence: missense variant. On other transcripts: non-coding transcript variant (1), intron variant (1).
Genome position (GRCh38, 1-based): chr6:42,978,427, C>A on the plus strand (G>T on the coding strand, the complement: PEX6 is on the minus strand). VCF-style: chr6-42978427-C-A. GRCh37 (hg19) VCF-style: chr6-42946165-C-A.
Other names: c.618+106G>T (NM_001316313.2); short protein forms V242L.
Identifiers: ClinVar variation 1449418 (VCV001449418.6), dbSNP rs368915893, ClinGen allele CA364162498.